The following is an entry in ClinVar:

ClinVar aggregate classification (germline): Affects (0 of 4 stars; one submission).

Conditions:
Depression. Also called: Depressivity; Mental depression; Depressive disorder. Identifiers: MedGen C0011581, MeSH D003866, MONDO:0002050, HP:0000716.

Submission:

Key Laboratory of Real Time Tracing of Brain Circuits of Neurology and Psychiatry, Nankai University Affiliated Tianjin Fourth Center Hospital
Classification: Affects for Depression. Last evaluated: 2021-09-23. Review status: no assertion criteria provided. Collection method: clinical testing. Allele origin: de novo. Inheritance: Genetic anticipation. Affected: yes. Observed: 17 variant alleles, 17 heterozygotes.
Comment: Taking all of our results and the evidence from previous literature together, we propose that OGDHL rs2293239 is likely one of the major genetic driving forces of depression onset in the present family. The rs2293239 variant decreases the binding affinity of the OGDHL dimer to its crucial catalytic cofactor TPP, thus weakening its transketolase activity. This alters the glutamate metabolism balance in cells, resulting in increased glutamate concentrations in the brain. As a result of long-term glutamate imbalance, brain structures may change, such as enlargement of the amygdala or cerebellum; furthermore, as a result of glutamate unbalance and brain structural changes, depressive symptoms appear.

Literature cited by the submitters: PubMed 28017472.

NM_018245.3(OGDHL):c.2174A>T (p.Asn725Ile)

Gene: OGDHL (oxoglutarate dehydrogenase L; minus strand). Cytogenetic location: 10q11.23.
Variant type: single nucleotide variant.
Coding change: c.2174A>T on transcript NM_018245.3 (MANE Select); coding-DNA position 2174, A replaced by T.
Protein change: p.Asn725Ile; replaces asparagine 725 with isoleucine.
Molecular consequence: missense variant. On other transcripts: non-coding transcript variant (5).
Genome position (GRCh38, 1-based): chr10:49,739,806, T>A on the plus strand (A>T on the coding strand, the complement: OGDHL is on the minus strand). VCF-style: chr10-49739806-T-A. GRCh37 (hg19) VCF-style: chr10-50947852-T-A.
Other names: c.2003A>T, p.Asn668Ile (NM_001143996.2, NM_001347820.1); c.1547A>T, p.Asn516Ile (NM_001143997.2, NM_001347821.2, NM_001347822.1); c.2174A>T, p.Asn725Ile (NM_001347819.1); c.1994A>T, p.Asn665Ile (NM_001347823.1, NM_001347824.2); c.1367A>T, p.Asn456Ile (NM_001347825.2); c.977A>T, p.Asn326Ile (NM_001347826.1); short protein forms N326I, N456I, N516I, N665I, N668I, N725I.
Identifiers: ClinVar variation 1292053 (VCV001292053.2), dbSNP rs2293239, ClinGen allele CA376740706.